The following is an entry in ClinVar:

NM_000143.4(FH):c.149T>C (p.Phe50Ser)

Gene: FH (fumarate hydratase; minus strand). Cytogenetic location: 1q43.
Variant type: single nucleotide variant.
Coding change: c.149T>C on transcript NM_000143.4 (MANE Select); coding-DNA position 149, T replaced by C.
Protein change: p.Phe50Ser; replaces phenylalanine 50 with serine.
Molecular consequence: missense variant.
Genome position (GRCh38, 1-based): chr1:241,517,300, A>G on the plus strand (T>C on the coding strand, the complement: FH is on the minus strand). VCF-style: chr1-241517300-A-G. GRCh37 (hg19) VCF-style: chr1-241680600-A-G.
Other names: short protein forms F50S.
Identifiers: ClinVar variation 4257320 (VCV004257320.2).

ClinVar aggregate classification (germline): Uncertain significance. Review status: criteria provided, multiple submitters, no conflicts (2 of 4 stars). 2 submissions from 2 submitters: Uncertain significance (2). Last evaluated 2025-09-27.

Conditions:
Hereditary cancer-predisposing syndrome. Also called: Hereditary Cancer Syndrome; Hereditary neoplastic syndrome; Neoplastic Syndromes, Hereditary; Tumor predisposition. Identifiers: Orphanet 140162, MedGen C0027672, MeSH D009386, MONDO:0015356.

gnomAD v4.1: 1 of 1,614,124 alleles (0.000062%); highest among the groups gnomAD compares: Non-Finnish European, 0.000085%; no homozygotes.

Submissions (2):

Labcorp Genetics (formerly Invitae), Labcorp
Classification: Uncertain significance. Last evaluated: 2025-09-27. Review status: criteria provided, single submitter. Criteria: Invitae Variant Classification Sherloc (09022015). Collection method: clinical testing. Allele origin: germline.
Comment: This sequence change replaces phenylalanine, which is neutral and non-polar, with serine, which is neutral and polar, at codon 50 of the FH protein (p.Phe50Ser). This variant is not present in population databases (gnomAD no frequency). This variant has not been reported in the literature in individuals affected with FH-related conditions. Invitae Evidence Modeling of protein sequence and biophysical properties (such as structural, functional, and spatial information, amino acid conservation, physicochemical variation, residue mobility, and thermodynamic stability) indicates that this missense variant is not expected to disrupt FH protein function with a negative predictive value of 80%. In summary, the available evidence is currently insufficient to determine the role of this variant in disease. Therefore, it has been classified as a Variant of Uncertain Significance.

Ambry Genetics
Classification: Uncertain significance for Hereditary cancer-predisposing syndrome. Last evaluated: 2025-09-10. Review status: criteria provided, single submitter. Criteria: Ambry Variant Classification Scheme 2023. Collection method: clinical testing. Allele origin: germline.
Comment: The p.F50S variant (also known as c.149T>C), located in coding exon 2 of the FH gene, results from a T to C substitution at nucleotide position 149. The phenylalanine at codon 50 is replaced by serine, an amino acid with highly dissimilar properties. This amino acid position is conserved. In addition, this alteration is predicted to be deleterious by in silico analysis. Based on the available evidence, the clinical significance of this variant remains unclear.